The following is an entry in ClinVar:

ClinVar aggregate classification (germline): Likely benign. Review status: criteria provided, multiple submitters, no conflicts (2 of 4 stars). 4 submissions from 4 submitters: Likely benign (4). Last evaluated 2024-08-09.

Conditions:
Cardiac arrhythmia. Also called: Cardiac rhythm disease; Arrhythmia. Identifiers: MedGen C0003811, MONDO:0007263, HP:0011675.
Long QT syndrome (LQTS). Identifiers: MedGen C0023976, MeSH D008133, MONDO:0002442. Disease mechanism: loss of function. Inheritance: Various modes of inheritance.

Allele frequency attached by ClinVar (database versions not stated): gnomAD exomes below 0.00001.
gnomAD v4.1: 1 of 1,614,204 alleles (0.000062%); highest among the groups gnomAD compares: Non-Finnish European, 0.000085%; no homozygotes.

Submissions (4):

Blueprint Genetics
Classification: Likely benign. Last evaluated: 2024-08-09. Review status: criteria provided, single submitter. Criteria: ACMG Guidelines, 2015. Collection method: clinical testing. Allele origin: germline.

Labcorp Genetics (formerly Invitae), Labcorp
Classification: Likely benign for Long QT syndrome. Last evaluated: 2024-02-19. Review status: criteria provided, single submitter. Criteria: Invitae Variant Classification Sherloc (09022015). Collection method: clinical testing. Allele origin: germline.

All of Us Research Program, National Institutes of Health
Classification: Likely benign for Long QT syndrome. Last evaluated: 2023-11-30. Review status: criteria provided, single submitter. Criteria: ACMG Guidelines, 2015. Collection method: clinical testing. Allele origin: germline. Inheritance: Autosomal dominant inheritance. Observed: 2 variant alleles, 2 heterozygotes.
Comment: This study involves interpretation of variants in research participants for the purpose of population health screening. Participant phenotype was not available at the time of variant classification. Additional details can be found in publication PMID: 35346344, PMCID: PMC8962531

Color Diagnostics, LLC DBA Color Health
Classification: Likely benign for Cardiac arrhythmia. Last evaluated: 2021-02-16. Review status: criteria provided, single submitter. Criteria: ACMG Guidelines, 2015. Collection method: clinical testing. Allele origin: germline.

NM_000238.4(KCNH2):c.1311A>G (p.Glu437=)

Gene: KCNH2 (potassium voltage-gated channel subfamily H member 2; minus strand). Cytogenetic location: 7q36.1.
Variant type: single nucleotide variant.
Coding change: c.1311A>G on transcript NM_000238.4 (MANE Select); coding-DNA position 1311, A replaced by G.
Protein change: p.Glu437=; no amino-acid change (glutamic acid 437 retained).
Molecular consequence: synonymous variant. On other transcripts: non-coding transcript variant (2).
Genome position (GRCh38, 1-based): chr7:150,952,671, T>C on the plus strand (A>G on the coding strand, the complement: KCNH2 is on the minus strand). VCF-style: chr7-150952671-T-C. GRCh37 (hg19) VCF-style: chr7-150649759-T-C.
Other names: c.291A>G, p.Glu97= (NM_001204798.2, NM_172057.3); c.1023A>G, p.Glu341= (NM_001406753.1, NM_001406756.1); c.1134A>G, p.Glu378= (NM_001406755.1); c.1011A>G, p.Glu337= (NM_001406757.1); c.1311A>G, p.Glu437= (NM_172056.3).
Identifiers: ClinVar variation 1117205 (VCV001117205.15), dbSNP rs2116971640, ClinGen allele CA458871703.